The following is an entry in ClinVar:

NM_001080.3(ALDH5A1):c.355-3C>T

Gene: ALDH5A1 (aldehyde dehydrogenase 5 family member A1; plus strand). Cytogenetic location: 6p22.3.
Variant type: single nucleotide variant.
Coding change: c.355-3C>T on transcript NM_001080.3 (MANE Select); 3 bases into the intron before coding-DNA position 355, C replaced by T.
Molecular consequence: intron variant.
Genome position (GRCh38, 1-based): chr6:24,502,520, C>T. VCF-style: chr6-24502520-C-T. GRCh37 (hg19) VCF-style: chr6-24502748-C-T.
Other names: c.355-3C>T (NM_170740.1, NM_001368954.1).
Identifiers: ClinVar variation 1026065 (VCV001026065.6), dbSNP rs1759217851, ClinGen allele CA1616509355.
Genomic context (GRCh38, chr6:24,502,520, plus strand): 5'-ATTTAGCATTCTGTCTTACACTTGGCATTTTATTACTTTTCTGCCTTGTTATTTCTTTTG[C>T]AGGAGAGGAGTTCATTACTTCGGAAGTGGTACAATTTAATGATACAAAATAAGGATGACC-3'

ClinVar aggregate classification (germline): Uncertain significance (1 of 4 stars; one submission).

Conditions:
Succinate-semialdehyde dehydrogenase deficiency (SSADHD). Also called: 4-HYDROXYBUTYRIC ACIDURIA; GABA METABOLIC DEFECT; Succinic Semialdehyde Dehydrogenase Deficiency; SSADH DEFICIENCY. Identifiers: Orphanet 22, MedGen C0268631, MONDO:0010083, OMIM 271980.

Submission:

Labcorp Genetics (formerly Invitae), Labcorp
Classification: Uncertain significance for Succinate-semialdehyde dehydrogenase deficiency. Last evaluated: 2020-03-04. Review status: criteria provided, single submitter. Criteria: Invitae Variant Classification Sherloc (09022015). Collection method: clinical testing. Allele origin: germline.
Comment: This sequence change falls in intron 1 of the ALDH5A1 gene. It does not directly change the encoded amino acid sequence of the ALDH5A1 protein, but it affects a nucleotide within the consensus splice site of the intron. This variant is not present in population databases (ExAC no frequency). This variant has not been reported in the literature in individuals with ALDH5A1-related conditions. Nucleotide substitutions within the consensus splice site are a relatively common cause of aberrant splicing (PMID: 17576681, 9536098). Algorithms developed to predict the effect of sequence changes on RNA splicing suggest that this variant is not likely to affect RNA splicing, but this prediction has not been confirmed by published transcriptional studies. In summary, the available evidence is currently insufficient to determine the role of this variant in disease. Therefore, it has been classified as a Variant of Uncertain Significance.

Literature cited by the submitters: PubMed 17576681; PubMed 9536098.